The following is an entry in ClinVar:

ClinVar aggregate classification (germline): Pathogenic. Review status: criteria provided, multiple submitters, no conflicts (2 of 4 stars). 3 submissions from 3 submitters: Pathogenic (2). 1 of the submissions does not count toward it. Last evaluated 2025-09-09.

Conditions:
Inborn genetic diseases. Identifiers: MedGen C0950123, MeSH D030342.
Osteogenesis imperfecta with normal sclerae, dominant form (OI4). Also called: OSTEOGENESIS IMPERFECTA WITH NORMAL SCLERAE; Osteogenesis Imperfecta Type IV; OSTEOGENESIS IMPERFECTA, TYPE IV, WITH DENTINOGENESIS IMPERFECTA; Common Variable Osteogenesis Imperfecta with Normal Sclerae; Osteogenesis imperfecta type 4. Identifiers: Orphanet 216820, Orphanet 666, MedGen C0268363, MONDO:0008148, OMIM 166220.
Osteogenesis imperfecta type I (OI1). Also called: OI, TYPE I; OSTEOGENESIS IMPERFECTA TARDA; OSTEOGENESIS IMPERFECTA WITH BLUE SCLERAE; Lobstein's Disease; Classic Non-deforming Osteogenesis Imperfecta with Blue Sclerae; Lobstein disease. Identifiers: Orphanet 216796, Orphanet 666, MedGen C0023931, MONDO:0008146, OMIM 166200. Disease mechanism: loss of function.
Ehlers-Danlos syndrome, classic type, 1 (EDSCL1). Also called: Ehlers-Danlos Syndrome, Classic Type, COL5A1-Related; EDS I; Ehlers-Danlos syndrome, type 1; EHLERS-DANLOS SYNDROME, GRAVIS TYPE; EHLERS-DANLOS SYNDROME, SEVERE CLASSIC TYPE. Identifiers: MedGen C0268335, MONDO:0019567, OMIM 130000.

Submissions (3):

Labcorp Genetics (formerly Invitae), Labcorp
Classification: Pathogenic for Osteogenesis imperfecta type I; Ehlers-Danlos syndrome, classic type, 1. Last evaluated: 2025-09-09. Review status: criteria provided, single submitter. Criteria: Invitae Variant Classification Sherloc (09022015). Collection method: clinical testing. Allele origin: germline.
Comment: This sequence change falls in intron 26 of the COL1A2 gene. It does not directly change the encoded amino acid sequence of the COL1A2 protein. It affects a nucleotide within the consensus splice site. This variant is not present in population databases (gnomAD no frequency). This variant has been observed in individual(s) with autosomal dominant osteogenesis imperfecta (PMID: 27509835, 35909573, 37368383). ClinVar contains an entry for this variant (Variation ID: 520641). Variants that disrupt the consensus splice site are a relatively common cause of aberrant splicing (PMID: 17576681, 9536098). Algorithms developed to predict the effect of sequence changes on RNA splicing suggest that this variant may disrupt the consensus splice site. For these reasons, this variant has been classified as Pathogenic.

Ambry Genetics
Classification: Pathogenic for Inborn genetic diseases. Last evaluated: 2015-03-23. Review status: criteria provided, single submitter. Criteria: Ambry exome assertion method (8-5-2015). Collection method: clinical testing. Allele origin: germline. Affected: yes. Observed: 1 variant allele.

OMIM
Classification: Pathogenic for OSTEOGENESIS IMPERFECTA, TYPE IV. Last evaluated: 1997-08-22. Review status: no assertion criteria provided. Collection method: literature only. Allele origin: germline. Not counted in ClinVar's aggregate classification.

Literature cited by the submitters: PubMed 27509835 (cited by Labcorp Genetics (formerly Invitae), Labcorp); PubMed 35909573 (cited by Labcorp Genetics (formerly Invitae), Labcorp); PubMed 37368383 (cited by Labcorp Genetics (formerly Invitae), Labcorp); PubMed 17576681 (cited by Labcorp Genetics (formerly Invitae), Labcorp); PubMed 9536098 (cited by Labcorp Genetics (formerly Invitae), Labcorp); PubMed 9268111 (cited by OMIM).

NM_000089.4(COL1A2):c.1557+3A>G

Gene: COL1A2 (collagen type I alpha 2 chain; plus strand). Cytogenetic location: 7q21.3.
Variant type: single nucleotide variant.
Coding change: c.1557+3A>G on transcript NM_000089.4 (MANE Select); 3 bases into the intron after coding-DNA position 1557, A replaced by G.
Molecular consequence: intron variant.
Genome position (GRCh38, 1-based): chr7:94,413,139, A>G. VCF-style: chr7-94413139-A-G. GRCh37 (hg19) VCF-style: chr7-94042451-A-G.
Other names: IVS26DS, A-G, +3.
Identifiers: ClinVar variation 520641 (VCV000520641.6), dbSNP rs72658127, ClinGen allele CA162925926.
Genomic context (GRCh38, chr7:94,413,139, plus strand): 5'-CTAGGGTGATCCTGGCAAAAACGGTGATAAAGGTCATGCTGGTCTTGCTGGTGCTCGGGT[A>G]GGTGCTAACTTGTGTACAGATCTATTCACATAGCATTCATCTAAGAACCACACTTTTTTT-3'